The following is an entry in ClinVar:

ClinVar aggregate classification (germline): Uncertain significance (1 of 4 stars; one submission).

Submission:

GeneDx
Classification: Uncertain significance. Last evaluated: 2026-04-08. Review status: criteria provided, single submitter. Criteria: GeneDx Variant Classification Process June 2021. Collection method: clinical testing. Allele origin: germline.
Comment: Not observed at significant frequency in large population cohorts (gnomAD); In silico analysis supports that this missense variant has a deleterious effect on protein structure/function; Has not been previously published as pathogenic or benign to our knowledge

NM_152713.5(STT3A):c.404C>A (p.Thr135Asn)

Gene: STT3A (STT3 oligosaccharyltransferase complex catalytic subunit A; plus strand). Cytogenetic location: 11q24.2.
Variant type: single nucleotide variant.
Coding change: c.404C>A on transcript NM_152713.5 (MANE Select); coding-DNA position 404, C replaced by A.
Protein change: p.Thr135Asn; replaces threonine 135 with asparagine.
Molecular consequence: missense variant.
Genome position (GRCh38, 1-based): chr11:125,602,935, C>A. VCF-style: chr11-125602935-C-A. GRCh37 (hg19) VCF-style: chr11-125472830-C-A.
Other names: c.128C>A, p.Thr43Asn (NM_001278504.2); c.404C>A, p.Thr135Asn (NM_001278503.2); short protein forms T135N, T43N.
Identifiers: ClinVar variation 5018281 (VCV005018281.1).